The following is an entry in ClinVar:

NM_000181.4(GUSB):c.1192C>T (p.Arg398Cys)

Gene: GUSB (glucuronidase beta; minus strand). Cytogenetic location: 7q11.21.
Variant type: single nucleotide variant.
Coding change: c.1192C>T on transcript NM_000181.4 (MANE Select); coding-DNA position 1192, C replaced by T.
Protein change: p.Arg398Cys; replaces arginine 398 with cysteine.
Molecular consequence: missense variant. On other transcripts: non-coding transcript variant (1).
Genome position (GRCh38, 1-based): chr7:65,974,578, G>A on the plus strand (C>T on the coding strand, the complement: GUSB is on the minus strand). VCF-style: chr7-65974578-G-A. GRCh37 (hg19) VCF-style: chr7-65439565-G-A.
Other names: c.754C>T, p.Arg252Cys (NM_001284290.2); c.622C>T, p.Arg208Cys (NM_001293104.2); c.535C>T, p.Arg179Cys (NM_001293105.2); short protein forms R179C, R208C, R252C, R398C.
Identifiers: ClinVar variation 2432343 (VCV002432343.6), dbSNP rs749520560, ClinGen allele CA4276362.

ClinVar aggregate classification (germline): Conflicting classifications of pathogenicity. Review status: criteria provided, conflicting classifications (1 of 4 stars). 2 submissions from 2 submitters: Pathogenic (1); Uncertain significance (1). Last evaluated 2025-04-25.

Conditions:
Mucopolysaccharidosis type 7 (MPS7). Also called: BETA-GLUCURONIDASE DEFICIENCY; MPS VII; GUSB DEFICIENCY; SLY SYNDROME. Identifiers: Orphanet 584, MedGen C0085132, MONDO:0009662, OMIM 253220.

Allele frequency attached by ClinVar (database versions not stated): TOPMed below 0.00001; ExAC 0.00006.

Submissions (2):

Women's Health and Genetics/Laboratory Corporation of America, LabCorp
Classification: Pathogenic for Mucopolysaccharidosis type 7. Last evaluated: 2025-04-25. Review status: criteria provided, single submitter. Criteria: LabCorp Variant Classification Summary - May 2015. Collection method: clinical testing. Allele origin: germline.
Comment: Variant summary: GUSB c.1192C>T (p.Arg398Cys) results in a non-conservative amino acid change located in the Glycoside hydrolase family 2, catalytic domain (IPR006103) of the encoded protein sequence. Five of five in-silico tools predict a damaging effect of the variant on protein function. The variant allele was found at a frequency of 3.2e-05 in 251438 control chromosomes. c.1192C>T has been observed in multiple individuals affected with Mucopolysaccharidosis Type VII (Sly Syndrome)(Zhou_2021, Sun_2018, Xiang_2024). These data indicate that the variant is very likely to be associated with disease. To our knowledge, no experimental evidence demonstrating an impact on protein function has been reported. The following publications have been ascertained in the context of this evaluation (PMID: 30076350, 33897756, 39252126). ClinVar contains an entry for this variant (Variation ID: 2432343). Based on the evidence outlined above, the variant was classified as pathogenic.

Revvity Omics, Revvity
Classification: Uncertain significance for Mucopolysaccharidosis type 7. Last evaluated: 2023-01-25. Review status: criteria provided, single submitter. Criteria: ACMG Guidelines, 2015. Collection method: clinical testing. Allele origin: germline.

Literature cited by the submitters: PubMed 30076350 (cited by Women's Health and Genetics/Laboratory Corporation of America, LabCorp); PubMed 33897756 (cited by Women's Health and Genetics/Laboratory Corporation of America, LabCorp); PubMed 39252126 (cited by Women's Health and Genetics/Laboratory Corporation of America, LabCorp).